The following is an entry in ClinVar:

ClinVar aggregate classification (germline): Uncertain significance (1 of 4 stars; one submission).

Conditions:
Neurodevelopmental abnormality. Identifiers: MedGen C4022737, HP:0012759.

Submission:

Clinical Genetics Laboratory, Skane University Hospital Lund
Classification: Uncertain significance for Neurodevelopmental abnormality. Last evaluated: 2024-10-21. Review status: criteria provided, single submitter. Criteria: ACMG Guidelines, 2015. Collection method: clinical testing. Allele origin: germline. Affected: yes.
Comment: ACMG criteria used: PM2, PP3

NM_172362.3(KCNH1):c.2063C>G (p.Ser688Cys)

Gene: KCNH1 (potassium voltage-gated channel subfamily H member 1; minus strand). Cytogenetic location: 1q32.2.
Variant type: single nucleotide variant.
Coding change: c.2063C>G on transcript NM_172362.3 (MANE Select); coding-DNA position 2063, C replaced by G.
Protein change: p.Ser688Cys; replaces serine 688 with cysteine.
Molecular consequence: missense variant.
Genome position (GRCh38, 1-based): chr1:210,775,397, G>C on the plus strand (C>G on the coding strand, the complement: KCNH1 is on the minus strand). VCF-style: chr1-210775397-G-C. GRCh37 (hg19) VCF-style: chr1-210948739-G-C.
Other names: c.1982C>G, p.Ser661Cys (NM_002238.4); short protein forms S661C, S688C.
Identifiers: ClinVar variation 3769603 (VCV003769603.1).